The following is an entry in ClinVar:

ClinVar aggregate classification (germline): Uncertain significance (1 of 4 stars; one submission).

Conditions:
MPV17-related disorder. Also called: MPV17-related condition; MPV17-related disorders. Identifiers: MedGen CN239328.

Submission:

PreventionGenetics, part of Exact Sciences
Classification: Uncertain significance for MPV17-related condition. Last evaluated: 2026-04-30. Review status: criteria provided, single submitter. Criteria: ACMG Guidelines, 2015. Collection method: clinical testing. Allele origin: germline.
Comment: The MPV17 c.407A>T variant is predicted to result in the amino acid substitution p.Tyr136Phe. To our knowledge, this variant has not been reported in the literature or in a large population database (gnomAD), indicating this variant is rare. At this time, the clinical significance of this variant is uncertain due to the absence of conclusive functional and genetic evidence.

NM_002437.5(MPV17):c.407A>T (p.Tyr136Phe)

Gene: MPV17 (mitochondrial inner membrane protein MPV17; minus strand). Cytogenetic location: 2p23.3.
Variant type: single nucleotide variant.
Coding change: c.407A>T on transcript NM_002437.5 (MANE Select); coding-DNA position 407, A replaced by T.
Protein change: p.Tyr136Phe; replaces tyrosine 136 with phenylalanine.
Molecular consequence: missense variant.
Genome position (GRCh38, 1-based): chr2:27,312,215, T>A on the plus strand (A>T on the coding strand, the complement: MPV17 is on the minus strand). VCF-style: chr2-27312215-T-A. GRCh37 (hg19) VCF-style: chr2-27535083-T-A.
Other names: short protein forms Y136F.
Identifiers: ClinVar variation 4995091 (VCV004995091.1).